The following is an entry in ClinVar:

ClinVar aggregate classification (germline): Conflicting classifications of pathogenicity. Review status: criteria provided, conflicting classifications (1 of 4 stars). 2 submissions from 2 submitters: Likely pathogenic (1); Uncertain significance (1). Last evaluated 2026-01-15.

Conditions:
Hypertrophic cardiomyopathy. Also called: HYPERTROPHIC MYOCARDIOPATHY. Identifiers: Orphanet 217569, MedGen C0007194, MeSH D002312, MONDO:0005045, HP:0001639.
Cardiovascular phenotype. Identifiers: MedGen CN230736.

Submissions (2):

Labcorp Genetics (formerly Invitae), Labcorp
Classification: Likely pathogenic for Hypertrophic cardiomyopathy. Last evaluated: 2026-01-15. Review status: criteria provided, single submitter. Criteria: Invitae Variant Classification Sherloc (09022015). Collection method: clinical testing. Allele origin: germline.
Comment: This sequence change replaces glutamine, which is neutral and polar, with leucine, which is neutral and non-polar, at codon 734 of the MYH7 protein (p.Gln734Leu). This variant is not present in population databases (gnomAD no frequency). This variant has not been reported in the literature in individuals affected with MYH7-related conditions. ClinVar contains an entry for this variant (Variation ID: 2818683). Invitae Evidence Modeling of protein sequence and biophysical properties (such as structural, functional, and spatial information, amino acid conservation, physicochemical variation, residue mobility, and thermodynamic stability) indicates that this missense variant is expected to disrupt MYH7 protein function with a positive predictive value of 95%. This variant disrupts the p.Gln734 amino acid residue in MYH7. Other variant(s) that disrupt this residue have been determined to be pathogenic (PMID: 12951062). This suggests that this residue is clinically significant, and that variants that disrupt this residue are likely to be disease-causing. In summary, the currently available evidence indicates that the variant is pathogenic, but additional data are needed to prove that conclusively. Therefore, this variant has been classified as Likely Pathogenic.

Ambry Genetics
Classification: Uncertain significance for Cardiovascular phenotype. Last evaluated: 2024-09-04. Review status: criteria provided, single submitter. Criteria: Ambry Variant Classification Scheme 2023. Collection method: clinical testing. Allele origin: germline.
Comment: The p.Q734L variant (also known as c.2201A>T), located in coding exon 18 of the MYH7 gene, results from an A to T substitution at nucleotide position 2201. The glutamine at codon 734 is replaced by leucine, an amino acid with dissimilar properties. This alteration is located in the myosin head domain, which contains a statistically significant clustering of pathogenic missense variants (Homburger JR et al. Proc Natl Acad Sci U S A, 2016 06;113:6701-6; Walsh R et al. Genet Med, 2017 02;19:192-203; Ambry internal data). This amino acid position is highly conserved in available vertebrate species. In addition, the in silico prediction for this alteration is inconclusive. Based on the available evidence, the clinical significance of this variant remains unclear.

Literature cited by the submitters: PubMed 12951062 (cited by Labcorp Genetics (formerly Invitae), Labcorp).

NM_000257.4(MYH7):c.2201A>T (p.Gln734Leu)

Gene: MYH7 (myosin heavy chain 7; minus strand). Cytogenetic location: 14q11.2.
Variant type: single nucleotide variant.
Coding change: c.2201A>T on transcript NM_000257.4 (MANE Select); coding-DNA position 2201, A replaced by T.
Protein change: p.Gln734Leu; replaces glutamine 734 with leucine.
Molecular consequence: missense variant.
Genome position (GRCh38, 1-based): chr14:23,425,780, T>A on the plus strand (A>T on the coding strand, the complement: MYH7 is on the minus strand). VCF-style: chr14-23425780-T-A. GRCh37 (hg19) VCF-style: chr14-23894989-T-A.
Other names: c.2201A>T, p.Gln734Leu (NM_001407004.1); short protein forms Q734L.
Identifiers: ClinVar variation 2818683 (VCV002818683.4), dbSNP rs863225097, ClinGen allele CA389048922.